The following is an entry in ClinVar:

NM_020338.4(ZMIZ1):c.1328C>G (p.Pro443Arg)

Gene: ZMIZ1 (zinc finger MIZ-type containing 1; plus strand). Cytogenetic location: 10q22.3.
Variant type: single nucleotide variant.
Coding change: c.1328C>G on transcript NM_020338.4 (MANE Select); coding-DNA position 1328, C replaced by G.
Protein change: p.Pro443Arg; replaces proline 443 with arginine.
Molecular consequence: missense variant.
Genome position (GRCh38, 1-based): chr10:79,296,568, C>G. VCF-style: chr10-79296568-C-G. GRCh37 (hg19) VCF-style: chr10-81056325-C-G.
Other names: short protein forms P443R.
Identifiers: ClinVar variation 3764354 (VCV003764354.2).
Genomic context (GRCh38, chr10:79,296,568, plus strand): 5'-AGTTCCCCACCCAGCCAGGCCAGTACCCAGCCCCCAACCCCCCGAGGCCACTCACCTCCC[C>G]CAACTACCCAGGACAGAGGATGCCCAGCCAGCCGAGCTCCGGGCAGTACCCGCCCCCCAC-3'
Protein context (NP_065071.1, residues 433-453): APNPPRPLTS[Pro443Arg]NYPGQRMPSQ

ClinVar aggregate classification (germline): Uncertain significance (1 of 4 stars; one submission).

gnomAD v4.1: 1 of 1,613,460 alleles (0.000062%); highest among the groups gnomAD compares: Non-Finnish European, 0.000085%; no homozygotes.

Submission:

GeneDx
Classification: Uncertain significance. Last evaluated: 2026-01-16. Review status: criteria provided, single submitter. Criteria: GeneDx Variant Classification Process June 2021. Collection method: clinical testing. Allele origin: germline.
Comment: Not observed at significant frequency in large population cohorts (gnomAD); In silico analysis supports that this missense variant has a deleterious effect on protein structure/function; Has not been previously published as pathogenic or benign to our knowledge